The following is an entry in ClinVar:

ClinVar aggregate classification (germline): Uncertain significance. Review status: criteria provided, multiple submitters, no conflicts (2 of 4 stars). 2 submissions from 2 submitters: Uncertain significance (2). Last evaluated 2023-11-20.

Conditions:
Osteogenesis imperfecta type I (OI1). Also called: OI, TYPE I; OSTEOGENESIS IMPERFECTA TARDA; OSTEOGENESIS IMPERFECTA WITH BLUE SCLERAE; Osteogenesis imperfecta type 1; Classic Non-deforming Osteogenesis Imperfecta with Blue Sclerae; Lobstein's Disease. Identifiers: Orphanet 216796, Orphanet 666, MedGen C0023931, MONDO:0008146, OMIM 166200. Disease mechanism: loss of function.
Ehlers-Danlos syndrome, classic type, 1 (EDSCL1). Also called: EHLERS-DANLOS SYNDROME, GRAVIS TYPE; EHLERS-DANLOS SYNDROME, SEVERE CLASSIC TYPE; EDS I; Ehlers-Danlos Syndrome, Classic Type, COL5A1-Related; Ehlers-Danlos syndrome, type 1. Identifiers: MedGen C0268335, MONDO:0019567, OMIM 130000.

Submissions (2):

GeneDx
Classification: Uncertain significance. Last evaluated: 2023-11-20. Review status: criteria provided, single submitter. Criteria: GeneDx Variant Classification Process June 2021. Collection method: clinical testing. Allele origin: germline. Affected: yes.
Comment: Not observed at significant frequency in large population cohorts (gnomAD); In silico analysis supports that this missense variant has a deleterious effect on protein structure/function; Has not been previously published as pathogenic or benign to our knowledge; In silico analysis suggests this variant may impact gene splicing. In the absence of RNA/functional studies, the actual effect of this sequence change is unknown.; Occurs in the triple helical domain at the X position in the canonical Gly-X-Y repeat; although this variant may have an effect on normal protein folding and function, missense substitution at the X position is not a common mechanism of disease (HGMD)

Labcorp Genetics (formerly Invitae), Labcorp
Classification: Uncertain significance for Osteogenesis imperfecta type I; Ehlers-Danlos syndrome, classic type, 1. Last evaluated: 2022-10-12. Review status: criteria provided, single submitter. Criteria: Invitae Variant Classification Sherloc (09022015). Collection method: clinical testing. Allele origin: germline.
Comment: This sequence change replaces glutamic acid, which is acidic and polar, with lysine, which is basic and polar, at codon 155 of the COL1A2 protein (p.Glu155Lys). In summary, the available evidence is currently insufficient to determine the role of this variant in disease. Therefore, it has been classified as a Variant of Uncertain Significance. Algorithms developed to predict the effect of sequence changes on RNA splicing suggest that this variant may create or strengthen a splice site. Advanced modeling of protein sequence and biophysical properties (such as structural, functional, and spatial information, amino acid conservation, physicochemical variation, residue mobility, and thermodynamic stability) has been performed at Invitae for this missense variant, however the output from this modeling did not meet the statistical confidence thresholds required to predict the impact of this variant on COL1A2 protein function. ClinVar contains an entry for this variant (Variation ID: 1006257). This variant has not been reported in the literature in individuals affected with COL1A2-related conditions. This variant is not present in population databases (gnomAD no frequency).

NM_000089.4(COL1A2):c.463G>A (p.Glu155Lys)

Gene: COL1A2 (collagen type I alpha 2 chain; plus strand). Cytogenetic location: 7q21.3.
Variant type: single nucleotide variant.
Coding change: c.463G>A on transcript NM_000089.4 (MANE Select); coding-DNA position 463, G replaced by A.
Protein change: p.Glu155Lys; replaces glutamic acid 155 with lysine.
Molecular consequence: missense variant.
Genome position (GRCh38, 1-based): chr7:94,405,229, G>A. VCF-style: chr7-94405229-G-A. GRCh37 (hg19) VCF-style: chr7-94034541-G-A.
Other names: c.463G>A (NM_000089.3); short protein forms E155K.
Identifiers: ClinVar variation 1006257 (VCV001006257.11), dbSNP rs1791771795, ClinGen allele CA368219819.
Genomic context (GRCh38, chr7:94,405,229, plus strand): 5'-AAGTTGACTCTACAATGTTTTCATGTTTAGGGTCACCCTGGAAAACCCGGACGACCTGGT[G>A]AGAGAGGAGTTGTTGGACCACAGGTGAGACTTTTTACATTGGTAGATAGCACAAACATCA-3'
Protein context (NP_000080.2, residues 145-165): GHPGKPGRPG[Glu155Lys]RGVVGPQGAR